The following is an entry in ClinVar:

NM_003742.4(ABCB11):c.3677G>A (p.Arg1226His)

Gene: ABCB11 (ATP binding cassette subfamily B member 11; minus strand). Cytogenetic location: 2q31.1.
Variant type: single nucleotide variant.
Coding change: c.3677G>A on transcript NM_003742.4 (MANE Select); coding-DNA position 3677, G replaced by A.
Protein change: p.Arg1226His; replaces arginine 1226 with histidine.
Molecular consequence: missense variant.
Genome position (GRCh38, 1-based): chr2:168,924,745, C>T on the plus strand (G>A on the coding strand, the complement: ABCB11 is on the minus strand). VCF-style: chr2-168924745-C-T. GRCh37 (hg19) VCF-style: chr2-169781255-C-T.
Other names: NM_003742.4:c.3677G>A; short protein forms R1226H.
Identifiers: ClinVar variation 3776833 (VCV003776833.2).
Genomic context (GRCh38, chr2:168,924,745, plus strand): 5'-GTGGCTTCATCTAGTAGCAAGATTTTAGGATCTCGTACAATGGCCCGAGCAATAGCAATG[C>T]GTTGTTTCTCCCCTCTAGAGAGTTGAGACCCCTGGGACCCAACGTTAGTTTCATATTTCT-3'
Protein context (NP_003733.2, residues 1216-1236): GSQLSRGEKQ[Arg1226His]IAIARAIVRD

ClinVar aggregate classification (germline): Uncertain significance. Review status: criteria provided, multiple submitters, no conflicts (2 of 4 stars). 2 submissions from 2 submitters: Uncertain significance (2). Last evaluated 2026-04-14.

Conditions:
Familial intrahepatic cholestasis. Identifiers: Orphanet 284385, MedGen CN296401, MONDO:0017290.
Progressive familial intrahepatic cholestasis type 2. Identifiers: Orphanet 79304, MedGen C3489789, MONDO:0011156, OMIM 601847.

gnomAD v4.1: 21 of 1,613,414 alleles (0.0013%); highest among the groups gnomAD compares: African/African-American, 0.011%; no homozygotes.

Submissions (2):

Genomenon, Inc
Classification: Uncertain significance for Familial intrahepatic cholestasis. Last evaluated: 2026-04-14. Review status: criteria provided, single submitter. Criteria: Genomenon Sequence Variant Interpretation Standards - Updated. Collection method: curation. Allele origin: germline. Affected: yes.
Comment: ABCB11 p.Arg1226His (c.3677G>A) is a missense variant that changes the amino acid at residue 1226 from Arginine to Histidine. This variant has been observed in at least one proband with an ABCB11-related disorder (PMID:25016225). It is absent or not present at a significant frequency in gnomAD. In silico models predict that this variant is possibly or probably damaging. In conclusion, we classify ABCB11 p.Arg1226His (c.3677G>A) as a variant of uncertain significance.

Broad Center for Mendelian Genomics, Broad Institute of MIT and Harvard
Classification: Uncertain significance for Progressive familial intrahepatic cholestasis type 2. Last evaluated: 2025-01-22. Review status: criteria provided, single submitter. Criteria: ACMG Guidelines, 2015. Collection method: curation. Allele origin: germline. Inheritance: Autosomal recessive inheritance.
Comment: The p.Arg1226His variant in ABCB11 has been reported in one individual with BSEP deficiency (PMID: 25016225), and has been identified in 0.01% (8/74790) of African/African American chromosomes by the Genome Aggregation Database (gnomAD; dbSNP rs778992761). Although this variant has been seen in the general population in a heterozygous state, its frequency is low enough to be consistent with a recessive carrier frequency. Computational prediction tools and conservation analyses suggest that this variant may impact the protein, though this information is not predictive enough to determine pathogenicity. In summary, the clinical significance of the p.Arg1226His variant is uncertain. ACMG/AMP Criteria applied: PP3_moderate, PM2_supporting (Richards 2015).

Literature cited by the submitters: PubMed 25016225 (cited by Genomenon, Inc).